The following is an entry in ClinVar:

NM_022552.5(DNMT3A):c.-6G>A

Gene: DNMT3A (DNA methyltransferase 3 alpha; minus strand). Cytogenetic location: 2p23.3.
Variant type: single nucleotide variant.
Coding change: c.-6G>A on transcript NM_022552.5 (MANE Select); 6 bases upstream of the start codon, G replaced by A.
Molecular consequence: 5 prime UTR variant. On other transcripts: non-coding transcript variant (1).
Genome position (GRCh38, 1-based): chr2:25,313,990, C>T on the plus strand (G>A on the coding strand, the complement: DNMT3A is on the minus strand). VCF-style: chr2-25313990-C-T. GRCh37 (hg19) VCF-style: chr2-25536859-C-T.
Other names: c.-6G>A (NM_001320892.2, NM_175629.2, NM_175630.1).
Identifiers: ClinVar variation 1291793 (VCV001291793.27), dbSNP rs148146288, ClinGen allele CA1556579.

ClinVar aggregate classification (germline): Benign/Likely benign. Review status: criteria provided, multiple submitters, no conflicts (2 of 4 stars). 3 submissions from 3 submitters: Benign (1); Likely benign (2). Last evaluated 2026-09-01.

Allele frequency attached by ClinVar (database versions not stated): 1000 Genomes Project 0.00020; 1000 Genomes Project 30x 0.00031; ESP Exome Variant Server 0.00042; gnomAD 0.00048 and 0.00051; TOPMed 0.00060; gnomAD exomes 0.00107; ExAC 0.00260.
gnomAD v4.1: 850 of 1,539,882 alleles (0.055%); highest among the groups gnomAD compares: South Asian, 0.15%; 4 homozygotes.

Submissions (3):

CeGaT Center for Human Genetics Tuebingen
Classification: Likely benign. Last evaluated: 2026-09-01. Review status: criteria provided, single submitter. Criteria: CeGaT Center For Human Genetics Tuebingen Variant Classification Criteria Version 2. Collection method: clinical testing. Allele origin: germline. Affected: yes. Observed: 5 variant alleles.
Comment: DNMT3A: BP4, BS1

Blueprint Genetics
Classification: Likely benign. Last evaluated: 2024-11-25. Review status: criteria provided, single submitter. Criteria: ACMG Guidelines, 2015. Collection method: clinical testing. Allele origin: germline.

GeneDx
Classification: Benign. Last evaluated: 2020-01-21. Review status: criteria provided, single submitter. Criteria: GeneDx Variant Classification Process June 2021. Collection method: clinical testing. Allele origin: germline. Affected: yes.